The following is an entry in ClinVar:

ClinVar aggregate classification (germline): Uncertain significance (1 of 4 stars; one submission).

Conditions:
Inborn genetic diseases. Identifiers: MedGen C0950123, MeSH D030342.

gnomAD v4.1: 1 of 1,585,762 alleles (0.000063%); highest among the groups gnomAD compares: Non-Finnish European, 0.000086%; no homozygotes.

Submission:

Ambry Genetics
Classification: Uncertain significance for Inborn genetic diseases. Last evaluated: 2025-04-22. Review status: criteria provided, single submitter. Criteria: Ambry Variant Classification Scheme 2023. Collection method: clinical testing. Allele origin: germline.
Comment: The p.V581I variant (also known as c.1741G>A), located in coding exon 11 of the ERCC6L2 gene, results from a G to A substitution at nucleotide position 1741. The valine at codon 581 is replaced by isoleucine, an amino acid with highly similar properties. This amino acid position is conserved. In addition, the in silico prediction for this alteration is inconclusive. Based on the available evidence, the clinical significance of this variant remains unclear.

NM_020207.7(ERCC6L2):c.1741G>A (p.Val581Ile)

Gene: ERCC6L2 (ERCC excision repair 6 like 2; plus strand). Cytogenetic location: 9q22.32.
Variant type: single nucleotide variant.
Coding change: c.1741G>A on transcript NM_020207.7 (MANE Select); coding-DNA position 1741, G replaced by A.
Protein change: p.Val581Ile; replaces valine 581 with isoleucine.
Molecular consequence: missense variant. On other transcripts: non-coding transcript variant (1).
Genome position (GRCh38, 1-based): chr9:95,928,854, G>A. VCF-style: chr9-95928854-G-A. GRCh37 (hg19) VCF-style: chr9-98691136-G-A.
Other names: c.1741G>A, p.Val581Ile (NM_001010895.4, NM_001375291.1, NM_001375292.1 and 2 more transcripts); short protein forms V581I.
Identifiers: ClinVar variation 3510041 (VCV003510041.2).